The following is an entry in ClinVar:

NM_004655.4(AXIN2):c.-117+2T>C

Gene: AXIN2 (axin 2; minus strand). Cytogenetic location: 17q24.1.
Variant type: single nucleotide variant.
Coding change: c.-117+2T>C on transcript NM_004655.4 (MANE Select); the canonical splice donor site of the intron after 117 bases upstream of the start codon, T replaced by C.
Molecular consequence: splice donor variant.
Genome position (GRCh38, 1-based): chr17:65,561,448, A>G on the plus strand (T>C on the coding strand, the complement: AXIN2 is on the minus strand). VCF-style: chr17-65561448-A-G. GRCh37 (hg19) VCF-style: chr17-63557566-A-G.
Other names: c.-117+2T>C (NM_001363813.1).
Identifiers: ClinVar variation 1692845 (VCV001692845.1), dbSNP rs2044374757, ClinGen allele CA2270896674.

ClinVar aggregate classification (germline): Uncertain significance (1 of 4 stars; one submission).

Conditions:
Hereditary cancer-predisposing syndrome. Also called: Hereditary neoplastic syndrome; Tumor predisposition; Neoplastic Syndromes, Hereditary; Hereditary Cancer Syndrome. Identifiers: Orphanet 140162, MedGen C0027672, MeSH D009386, MONDO:0015356.

Submission:

Sema4
Classification: Uncertain significance for Hereditary cancer-predisposing syndrome. Last evaluated: 2021-06-24. Review status: criteria provided, single submitter. Criteria: Sema4 Curation Guidelines. Collection method: curation. Allele origin: germline.
Comment: The AXIN2 c.-117+2T>C variant has not been reported in the literature to our knowledge. It was not observed in the large and broad cohorts of the Genome Aggregation Database (PMID: 32461654). This variant has not been reported in ClinVar. In silico tools suggest that the variant may impact splicing, though these predictions have not been confirmed by functional studies. The evidence is insufficient to meet ACMG/AMP criteria for classifying the variant as benign or pathogenic. Thus, the clinical significance of this variant is currently uncertain.